The following is an entry in ClinVar:

ClinVar aggregate classification (germline): Conflicting classifications of pathogenicity. Review status: criteria provided, conflicting classifications (1 of 4 stars). 4 submissions from 4 submitters: Uncertain significance (3); Likely benign (1). Last evaluated 2023-03-23.

Conditions:
Hereditary breast ovarian cancer syndrome. Also called: Hereditary breast and ovarian cancer; Hereditary breast and ovarian cancer syndrome (HBOC); Breast and ovarian cancer; BRCA1- and BRCA2-Associated Hereditary Breast and Ovarian Cancer; Hereditary breast and/or ovarian cancer syndrome; Hereditary breast and ovarian cancer syndrome. Identifiers: Orphanet 145, MedGen C0677776, MeSH D061325, MONDO:0003582. Disease mechanism: loss of function.
Hereditary cancer-predisposing syndrome. Also called: Neoplastic Syndromes, Hereditary; Hereditary neoplastic syndrome; Tumor predisposition; Hereditary Cancer Syndrome. Identifiers: Orphanet 140162, MedGen C0027672, MeSH D009386, MONDO:0015356.

gnomAD v4.1: 1 of 1,592,700 alleles (0.000063%); highest among the groups gnomAD compares: Non-Finnish European, 0.000085%; no homozygotes.

Submissions (4):

University of Washington Department of Laboratory Medicine, University of Washington
Classification: Likely benign for Hereditary cancer-predisposing syndrome. Last evaluated: 2023-03-23. Review status: criteria provided, single submitter. Criteria: Dines et al. (Genet Med. 2020). Collection method: curation. Allele origin: germline.
Comment: Missense variant in a coldspot region where missense variants are very unlikely to be pathogenic (PMID:31911673).

BRCA2 exon 11 coldspot. Reclassification based on statistical prior probability.

Color Diagnostics, LLC DBA Color Health
Classification: Uncertain significance for Hereditary cancer-predisposing syndrome. Last evaluated: 2022-10-31. Review status: criteria provided, single submitter. Criteria: ACMG Guidelines, 2015. Collection method: clinical testing. Allele origin: germline.
Comment: This missense variant replaces serine with phenylalanine at codon 2148 of the BRCA2 protein. Computational prediction suggests that this variant may not impact protein structure and function (internally defined REVEL score threshold <= 0.5, PMID: 27666373). To our knowledge, functional studies have not been reported for this variant. This variant has not been reported in individuals affected with hereditary cancer in the literature. This variant has not been identified in the general population by the Genome Aggregation Database (gnomAD). The available evidence is insufficient to determine the role of this variant in disease conclusively. Therefore, this variant is classified as a Variant of Uncertain Significance.

Labcorp Genetics (formerly Invitae), Labcorp
Classification: Uncertain significance for Hereditary breast ovarian cancer syndrome. Last evaluated: 2019-08-20. Review status: criteria provided, single submitter. Criteria: Invitae Variant Classification Sherloc (09022015). Collection method: clinical testing. Allele origin: germline.
Comment: In summary, the available evidence is currently insufficient to determine the role of this variant in disease. Therefore, it has been classified as a Variant of Uncertain Significance. Algorithms developed to predict the effect of missense changes on protein structure and function output the following: SIFT: "Tolerated"; PolyPhen-2: "Benign"; Align-GVGD: "Class C0". The phenylalanine amino acid residue is found in multiple mammalian species, suggesting that this missense change does not adversely affect protein function. These predictions have not been confirmed by published functional studies and their clinical significance is uncertain. This variant has not been reported in the literature in individuals with BRCA2-related conditions. ClinVar contains an entry for this variant (Variation ID: 617996). This variant is not present in population databases (ExAC no frequency). This sequence change replaces serine with phenylalanine at codon 2148 of the BRCA2 protein (p.Ser2148Phe). The serine residue is moderately conserved and there is a large physicochemical difference between serine and phenylalanine.

ARUP Laboratories, Molecular Genetics and Genomics, ARUP Laboratories
Classification: Uncertain significance. Last evaluated: 2018-04-04. Review status: criteria provided, single submitter. Criteria: ARUP Molecular Germline Variant Investigation Process. Collection method: clinical testing. Allele origin: germline.
Comment: The BRCA2 c.6443C>T; p.Ser2148Phe variant, to our knowledge, is not reported in the medical literature or gene specific databases. This variant is also absent from the general population databases (1000 Genomes Project, Exome Variant Server, and Genome Aggregation Database), indicating it is not a common polymorphism. The serine at codon 2148 is moderately conserved, but computational analyses (SIFT, PolyPhen-2) predict that this variant is tolerated. However, given the lack of clinical and functional data, the significance of the p.Ser2148Phe variant is uncertain at this time.

NM_000059.4(BRCA2):c.6443C>T (p.Ser2148Phe)

Gene: BRCA2 (BRCA2 DNA repair associated; plus strand). Cytogenetic location: 13q13.1.
Variant type: single nucleotide variant.
Coding change: c.6443C>T on transcript NM_000059.4 (MANE Select); coding-DNA position 6443, C replaced by T.
Protein change: p.Ser2148Phe; replaces serine 2148 with phenylalanine.
Molecular consequence: missense variant.
Genome position (GRCh38, 1-based): chr13:32,340,798, C>T. VCF-style: chr13-32340798-C-T. GRCh37 (hg19) VCF-style: chr13-32914935-C-T.
Other names: short protein forms S2148F.
Identifiers: ClinVar variation 617996 (VCV000617996.21), dbSNP rs80358880, ClinGen allele CA387789318.